The following is an entry in ClinVar:

ClinVar aggregate classification (germline): Pathogenic/Likely pathogenic. Review status: criteria provided, multiple submitters, no conflicts (2 of 4 stars). 2 submissions from 2 submitters: Pathogenic (1); Likely pathogenic (1). Last evaluated 2025-01-03.

Conditions:
Sjögren-Larsson syndrome (SLS). Also called: FALDH DEFICIENCY; FATTY ALCOHOL:NAD+ OXIDOREDUCTASE DEFICIENCY; FATTY ALDEHYDE DEHYDROGENASE DEFICIENCY; ICHTHYOSIS, SPASTIC NEUROLOGIC DISORDER, AND OLIGOPHRENIA. Identifiers: Orphanet 816, MedGen C0037231, MONDO:0010031, OMIM 270200.

Submissions (2):

Myriad Genetics, Inc.
Classification: Likely pathogenic for Sjögren-Larsson syndrome. Last evaluated: 2025-01-03. Review status: criteria provided, single submitter. Criteria: Myriad Autosomal Dominant, Autosomal Recessive and X-Linked Classification Criteria (2023). Collection method: clinical testing. Allele origin: unknown.
Comment: NM_000382.2(ALDH3A2):c.680+1delG is a variant in a canonical splice site classified as likely pathogenic in the context of Sjogren-Larsson syndrome. c.680+1delG has been observed in cases with relevant disease (PMID: 26762237). Relevant functional assessments of this variant are not available in the literature. c.680+1delG has not been observed in referenced population frequency databases. In summary, NM_000382.2(ALDH3A2):c.680+1delG is a variant in a canonical splice site in a gene where loss of function is a known mechanism of disease, is predicted to disrupt protein function, and has been observed more frequently in cases with the relevant disease than in healthy populations. Please note: this variant was assessed in the context of healthy population screening.

Labcorp Genetics (formerly Invitae), Labcorp
Classification: Pathogenic. Last evaluated: 2020-04-19. Review status: criteria provided, single submitter. Criteria: Invitae Variant Classification Sherloc (09022015). Collection method: clinical testing. Allele origin: germline.
Comment: For these reasons, this variant has been classified as Pathogenic. Loss-of-function variants in ALDH3A2 are known to be pathogenic (PMID: 10577908, 10854114). Algorithms developed to predict the effect of sequence changes on RNA splicing suggest that this variant may disrupt the consensus splice site, but this prediction has not been confirmed by published transcriptional studies. This variant has been observed in individual(s) with Sjogren-Larsson syndrome (PMID: 26762237). It has also been observed to segregate with disease in related individuals. This variant is not present in population databases (ExAC no frequency). This sequence change creates a premature translational stop signal (p.Arg227Asnfs*3) in the ALDH3A2 gene. It is expected to result in an absent or disrupted protein product.

Literature cited by the submitters: PubMed 26762237 (cited by Myriad Genetics, Inc. and Labcorp Genetics (formerly Invitae), Labcorp); PubMed 10577908 (cited by Labcorp Genetics (formerly Invitae), Labcorp); PubMed 10854114 (cited by Labcorp Genetics (formerly Invitae), Labcorp).

NM_000382.3(ALDH3A2):c.680+1del

Gene: ALDH3A2 (aldehyde dehydrogenase 3 family member A2; plus strand). Cytogenetic location: 17p11.2.
Variant type: Deletion.
Coding change: c.680+1del on transcript NM_000382.3 (MANE Select); the canonical splice donor site of the intron after coding-DNA position 680, one base deleted (G; older notation c.680+1delG).
Molecular consequence: splice donor variant.
Genome position (GRCh38, 1-based): chr17:19,656,575, G deleted; the last of 2 consecutive G bases (chr17:19,656,574-19,656,575); deleting either gives the same sequence. VCF-style (leftmost placement, unchanged base first): chr17-19656573-AG-A. GRCh37 (hg19) VCF-style: chr17-19559886-AG-A.
Other names: c.101+1del (NM_001369148.2); c.680+1del (NM_001369137.2, NM_001369138.2, NM_001369146.2 and 3 more transcripts).
Identifiers: ClinVar variation 1068917 (VCV001068917.6), dbSNP rs2152328365, ClinGen allele CA2499223935.
Genomic context (GRCh38, chr17:19,656,573, plus strand): 5'-GAACTGGGAGGGAAAAGTCCATGTTATATTGATAAAGATTGTGACCTGGACATTGTTTGC[AG>A]GTGAGTCTGGCTCTCTGATTTTCTGAGGTTTTCCCAGCACAATGGAGACTTTTCCTGACA-3'